The following is an entry in ClinVar:

ClinVar aggregate classification (germline): Uncertain significance (1 of 4 stars; one submission).

Submission:

Labcorp Genetics (formerly Invitae), Labcorp
Classification: Uncertain significance. Last evaluated: 2021-08-12. Review status: criteria provided, single submitter. Criteria: Invitae Variant Classification Sherloc (09022015). Collection method: clinical testing. Allele origin: germline.
Comment: In summary, the available evidence is currently insufficient to determine the role of this variant in disease. Therefore, it has been classified as a Variant of Uncertain Significance. Algorithms developed to predict the effect of missense changes on protein structure and function are either unavailable or do not agree on the potential impact of this missense change (SIFT: "Deleterious"; PolyPhen-2: "Benign"; Align-GVGD: "Class C15"). This variant has not been reported in the literature in individuals affected with FERMT1-related conditions. This variant is not present in population databases (ExAC no frequency). This sequence change replaces serine with arginine at codon 207 of the FERMT1 protein (p.Ser207Arg). The serine residue is moderately conserved and there is a moderate physicochemical difference between serine and arginine.

NM_017671.5(FERMT1):c.619A>C (p.Ser207Arg)

Gene: FERMT1 (FERM domain containing kindlin 1; minus strand). Cytogenetic location: 20p12.3.
Variant type: single nucleotide variant.
Coding change: c.619A>C on transcript NM_017671.5 (MANE Select); coding-DNA position 619, A replaced by C.
Protein change: p.Ser207Arg; replaces serine 207 with arginine.
Molecular consequence: missense variant.
Genome position (GRCh38, 1-based): chr20:6,110,425, T>G on the plus strand (A>C on the coding strand, the complement: FERMT1 is on the minus strand). VCF-style: chr20-6110425-T-G. GRCh37 (hg19) VCF-style: chr20-6091072-T-G.
Other names: short protein forms S207R.
Identifiers: ClinVar variation 1508165 (VCV001508165.6), dbSNP rs1982915153, ClinGen allele CA408188567.